The following is an entry in ClinVar:

NM_007294.4(BRCA1):c.4413C>T (p.Gly1471=)

Gene: BRCA1 (BRCA1 DNA repair associated; minus strand). Cytogenetic location: 17q21.31.
Variant type: single nucleotide variant.
Coding change: c.4413C>T on transcript NM_007294.4 (MANE Select); coding-DNA position 4413, C replaced by T.
Protein change: p.Gly1471=; no amino-acid change (glycine 1471 retained).
Molecular consequence: synonymous variant. On other transcripts: intron variant (3).
Genome position (GRCh38, 1-based): chr17:43,076,559, G>A on the plus strand (C>T on the coding strand, the complement: BRCA1 is on the minus strand). VCF-style: chr17-43076559-G-A. GRCh37 (hg19) VCF-style: chr17-41228576-G-A.
Other names: c.4149C>T, p.Gly1383= (NM_001407926.1, NM_001407920.1, NM_001407921.1 and 4 more transcripts); c.4146C>T, p.Gly1382= (NM_001407927.1, NM_001407928.1, NM_001407929.1 and 4 more transcripts); c.4143C>T, p.Gly1381= (NM_001407934.1, NM_001407935.1, NM_001407936.1); c.4290C>T, p.Gly1430= (NM_001407937.1, NM_001407938.1, NM_001407664.1 and 6 more transcripts); c.4287C>T, p.Gly1429= (NM_001407939.1, NM_001407940.1, NM_001407670.1 and 11 more transcripts); c.4284C>T, p.Gly1428= (NM_001407941.1, NM_001407681.1, NM_001407682.1 and 6 more transcripts); c.4272C>T, p.Gly1424= (NM_001407942.1, NM_001407692.1, NM_001407694.1 and 13 more transcripts); c.4269C>T, p.Gly1423= (NM_001407943.1, NM_001407944.1, NM_001407945.1 and 21 more transcripts); and 71 more.
Identifiers: ClinVar variation 427349 (VCV000427349.9), dbSNP rs749522068, ClinGen allele CA060235.

ClinVar aggregate classification (germline): Likely benign. Review status: reviewed by expert panel (3 of 4 stars). 2 submissions from 2 submitters: Likely benign (1). 1 of the submissions does not count toward it. Last evaluated 2017-06-29.

Conditions:
Hereditary breast ovarian cancer syndrome. Also called: Hereditary breast and ovarian cancer syndrome (HBOC); BRCA1- and BRCA2-Associated Hereditary Breast and Ovarian Cancer; Hereditary breast and/or ovarian cancer syndrome; Hereditary breast and ovarian cancer syndrome; Hereditary breast and ovarian cancer; Breast and ovarian cancer. Identifiers: Orphanet 145, MedGen C0677776, MeSH D061325, MONDO:0003582. Disease mechanism: loss of function.
Breast-ovarian cancer, familial, susceptibility to, 1 (BROVCA1). Also called: BRCA1 Hereditary Breast and Ovarian Cancer; OVARIAN CANCER, SUSCEPTIBILITY TO. Identifiers: Orphanet 145, MedGen C2676676, MONDO:0011450, OMIM 604370. Disease mechanism: loss of function.

Allele frequency attached by ClinVar (database versions not stated): ExAC 0.00001.

Submissions (2):

Evidence-based Network for the Interpretation of Germline Mutant Alleles (ENIGMA)
Classification: Likely benign for Breast-ovarian cancer, familial, susceptibility to, 1. Last evaluated: 2017-06-29. Review status: reviewed by expert panel. Criteria: ENIGMA BRCA1/2 Classification Criteria (2017-06-29). Collection method: curation. Allele origin: germline.
Comment: Synonymous substitution variant, with low bioinformatic likelihood to result in a splicing aberration (Splicing prior probability 0.02).

Labcorp Genetics (formerly Invitae), Labcorp
Classification: Likely benign for Hereditary breast ovarian cancer syndrome. Last evaluated: 2022-10-20. Review status: criteria provided, single submitter. Criteria: Invitae Variant Classification Sherloc (09022015). Collection method: clinical testing. Allele origin: germline. Not counted in ClinVar's aggregate classification.